The following is an entry in ClinVar:

NM_004006.3(DMD):c.8926G>A (p.Glu2976Lys)

Gene: DMD (dystrophin; minus strand). Cytogenetic location: Xp21.2.
Variant type: single nucleotide variant.
Coding change: c.8926G>A on transcript NM_004006.3 (MANE Select); coding-DNA position 8926, G replaced by A.
Protein change: p.Glu2976Lys; replaces glutamic acid 2976 with lysine.
Molecular consequence: missense variant.
Genome position (GRCh38, 1-based): chrX:31,478,117, C>T on the plus strand (G>A on the coding strand, the complement: DMD is on the minus strand). VCF-style: chrX-31478117-C-T. GRCh37 (hg19) VCF-style: chrX-31496234-C-T.
Other names: c.8902G>A, p.Glu2968Lys (NM_000109.4); c.8914G>A, p.Glu2972Lys (NM_004009.3); c.8557G>A, p.Glu2853Lys (NM_004010.3); c.4903G>A, p.Glu1635Lys (NM_004011.4); c.4894G>A, p.Glu1632Lys (NM_004012.4); c.1546G>A, p.Glu516Lys (NM_004013.3, NM_004020.4, NM_004021.3 and 2 more transcripts); c.739G>A, p.Glu247Lys (NM_004014.3); short protein forms E2976K, E1632K, E1635K, E2972K, E247K, E516K, E2853K, E2968K.
Identifiers: ClinVar variation 259218 (VCV000259218.18), dbSNP rs142128738, ClinGen allele CA10377964.

ClinVar aggregate classification (germline): Conflicting classifications of pathogenicity. Review status: criteria provided, conflicting classifications (1 of 4 stars). 6 submissions from 6 submitters: Uncertain significance (3); Likely benign (2). 1 of the submissions does not count toward it. Last evaluated 2025-12-06.

Conditions:
Cardiovascular phenotype. Identifiers: MedGen CN230736.
Duchenne muscular dystrophy (DMD). Also called: MUSCULAR DYSTROPHY, PSEUDOHYPERTROPHIC PROGRESSIVE, DUCHENNE TYPE; Duchenne Muscular Dystrophy (DMD). Identifiers: Orphanet 98896, MedGen C0013264, MONDO:0010679, OMIM 310200.
Dystrophin deficiency.
Becker muscular dystrophy (BMD). Also called: MUSCULAR DYSTROPHY, PSEUDOHYPERTROPHIC PROGRESSIVE, BECKER TYPE; Becker Muscular Dystrophy (BMD). Identifiers: Orphanet 98895, MedGen C0917713, MONDO:0010311, OMIM 300376.
Cardiomyopathy (CMYO). Also called: Cardiomyopathies. Identifiers: Orphanet 167848, MedGen C0878544, MONDO:0004994, HP:0001638. Inheritance: Various modes of inheritance.
Dilated cardiomyopathy 3B (CMD3B). Also called: CMD3B: DMD-Related Dilated Cardiomyopathy; CARDIOMYOPATHY, DILATED, X-LINKED; DMD-Associated Dilated Cardiomyopathy. Identifiers: Orphanet 154, MedGen C3668940, MONDO:0010542, OMIM 302045.

Allele frequency attached by ClinVar (database versions not stated): gnomAD exomes 0.00002 and 0.00004; ExAC 0.00003; gnomAD 0.00004; TOPMed 0.00005; ESP Exome Variant Server 0.00009.
gnomAD v4.1: 48 of 1,208,538 alleles (0.004%); highest among the groups gnomAD compares: Non-Finnish European, 0.0044%; no homozygotes.

Submissions (6):

Labcorp Genetics (formerly Invitae), Labcorp
Classification: Uncertain significance for Duchenne muscular dystrophy. Last evaluated: 2025-12-06. Review status: criteria provided, single submitter. Criteria: Invitae Variant Classification Sherloc (09022015). Collection method: clinical testing. Allele origin: germline.
Comment: This sequence change replaces glutamic acid, which is acidic and polar, with lysine, which is basic and polar, at codon 2976 of the DMD protein (p.Glu2976Lys). The frequency data for this variant in the population databases is considered unreliable, as metrics indicate poor data quality at this position in the gnomAD database. This variant has not been reported in the literature in individuals affected with DMD-related conditions. ClinVar contains an entry for this variant (Variation ID: 259218). Invitae Evidence Modeling of protein sequence and biophysical properties (such as structural, functional, and spatial information, amino acid conservation, physicochemical variation, residue mobility, and thermodynamic stability) indicates that this missense variant is not expected to disrupt DMD protein function with a negative predictive value of 95%. In summary, the available evidence is currently insufficient to determine the role of this variant in disease. Therefore, it has been classified as a Variant of Uncertain Significance.

Blueprint Genetics
Classification: Likely benign. Last evaluated: 2024-08-05. Review status: criteria provided, single submitter. Criteria: ACMG Guidelines, 2015. Collection method: clinical testing. Allele origin: germline.

Ambry Genetics
Classification: Uncertain significance for Cardiovascular phenotype. Last evaluated: 2023-08-31. Review status: criteria provided, single submitter. Criteria: Ambry Variant Classification Scheme 2023. Collection method: clinical testing. Allele origin: germline.
Comment: The p.E2976K variant (also known as c.8926G>A), located in coding exon 59 of the DMD gene, results from a G to A substitution at nucleotide position 8926. The glutamic acid at codon 2976 is replaced by lysine, an amino acid with similar properties. This alteration has been reported in a dilated cardiomyopathy (DCM) cohort (Horvat C et al. Genet Med, 2019 Jan;21:133-143). Based on data from gnomAD, the A allele has an overall frequency of 0.0017% (3/178687) total alleles studied, with 0 hemizygote(s) observed. The highest observed frequency was 0.0270% (2/7416) of Ashkenazi Jewish alleles. This amino acid position is well conserved in available vertebrate species. In addition, this alteration is predicted to be tolerated by in silico analysis. Since supporting evidence is limited at this time, the clinical significance of this alteration remains unclear.

Illumina Laboratory Services, Illumina
Classification: Uncertain significance for Dilated cardiomyopathy 3B. Last evaluated: 2018-01-12. Review status: criteria provided, single submitter. Criteria: ICSL Variant Classification Criteria 13 December 2019. Collection method: clinical testing. Allele origin: germline.

PreventionGenetics, part of Exact Sciences
Classification: Likely benign. Review status: criteria provided, single submitter. Criteria: ACMG Guidelines, 2015. Collection method: clinical testing. Allele origin: germline.

Natera, Inc.
Classification: Uncertain significance for Becker muscular dystrophy; Cardiomyopathy; Duchenne muscular dystrophy; Dystrophin deficiency. Last evaluated: 2020-05-22. Review status: no assertion criteria provided. Collection method: clinical testing. Allele origin: germline. Not counted in ClinVar's aggregate classification.

Literature cited by the submitters: PubMed 29892087 (cited by Ambry Genetics).